The following is an entry in ClinVar:

NM_001231.5(CASQ1):c.472G>A (p.Glu158Lys)

Gene: CASQ1 (calsequestrin 1; plus strand). Cytogenetic location: 1q23.2.
Variant type: single nucleotide variant.
Coding change: c.472G>A on transcript NM_001231.5 (MANE Select); coding-DNA position 472, G replaced by A.
Protein change: p.Glu158Lys; replaces glutamic acid 158 with lysine.
Molecular consequence: missense variant.
Genome position (GRCh38, 1-based): chr1:160,195,018, G>A. VCF-style: chr1-160195018-G-A. GRCh37 (hg19) VCF-style: chr1-160164808-G-A.
Other names: short protein forms E158K.
Identifiers: ClinVar variation 2565380 (VCV002565380.2), dbSNP rs1064796446, ClinGen allele CA343255963.

ClinVar aggregate classification (germline): Uncertain significance (1 of 4 stars; one submission).

Conditions:
Inborn genetic diseases. Identifiers: MedGen C0950123, MeSH D030342.

gnomAD v4.1: 16 of 1,600,968 alleles (0.001%); highest among the groups gnomAD compares: Non-Finnish European, 0.0013%; no homozygotes.

Submission:

Ambry Genetics
Classification: Uncertain significance for Inborn genetic diseases. Last evaluated: 2023-05-21. Review status: criteria provided, single submitter. Criteria: Ambry Variant Classification Scheme 2023. Collection method: clinical testing. Allele origin: germline.
Comment: The p.E158K variant (also known as c.472G>A), located in coding exon 4 of the CASQ1 gene, results from a G to A substitution at nucleotide position 472. The glutamic acid at codon 158 is replaced by lysine, an amino acid with similar properties. This amino acid position is conserved. In addition, the in silico prediction for this alteration is inconclusive. Since supporting evidence is limited at this time, the clinical significance of this alteration remains unclear.